The following is an entry in ClinVar:

ClinVar aggregate classification (germline): Uncertain significance (1 of 4 stars; one submission).

Conditions:
Pheochromocytoma/paraganglioma syndrome 5. Also called: Paragangliomas 5; SDHA-Related Hereditary Paraganglioma-Pheochromocytoma Syndrome. Identifiers: Orphanet 29072, MedGen C3279992, MONDO:0013602, OMIM 614165.
Mitochondrial complex II deficiency, nuclear type 1. Also called: SUCCINATE CoQ REDUCTASE DEFICIENCY. Identifiers: Orphanet 3208, MedGen C5700310, MONDO:0100294, OMIM 252011.

Submission:

Labcorp Genetics (formerly Invitae), Labcorp
Classification: Uncertain significance for Pheochromocytoma/paraganglioma syndrome 5; Mitochondrial complex II deficiency, nuclear type 1. Last evaluated: 2019-03-13. Review status: criteria provided, single submitter. Criteria: Invitae Variant Classification Sherloc (09022015). Collection method: clinical testing. Allele origin: germline.
Comment: In summary, the available evidence is currently insufficient to determine the role of this variant in disease. Therefore, it has been classified as a Variant of Uncertain Significance. Algorithms developed to predict the effect of sequence changes on RNA splicing suggest that this variant may create or strengthen a splice site, but this prediction has not been confirmed by published transcriptional studies. Algorithms developed to predict the effect of missense changes on protein structure and function (SIFT, PolyPhen-2, Align-GVGD) all suggest that this variant is likely to be disruptive, but these predictions have not been confirmed by published functional studies and their clinical significance is uncertain. This variant has not been reported in the literature in individuals with SDHA-related conditions. This variant is not present in population databases (ExAC no frequency). This sequence change replaces alanine with glycine at codon 193 of the SDHA protein (p.Ala193Gly). The alanine residue is highly conserved and there is a small physicochemical difference between alanine and glycine.

NM_004168.4(SDHA):c.578C>G (p.Ala193Gly)

Gene: SDHA (succinate dehydrogenase complex flavoprotein subunit A; plus strand). Cytogenetic location: 5p15.33.
Variant type: single nucleotide variant.
Coding change: c.578C>G on transcript NM_004168.4 (MANE Select); coding-DNA position 578, C replaced by G.
Protein change: p.Ala193Gly; replaces alanine 193 with glycine.
Molecular consequence: missense variant.
Genome position (GRCh38, 1-based): chr5:226,004, C>G. VCF-style: chr5-226004-C-G. GRCh37 (hg19) VCF-style: chr5-226119-C-G.
Other names: c.434C>G, p.Ala145Gly (NM_001294332.2); c.578C>G, p.Ala193Gly (NM_001330758.2); short protein forms A145G, A193G.
Identifiers: ClinVar variation 839188 (VCV000839188.10), dbSNP rs1734997662, ClinGen allele CA359010529.
Genomic context (GRCh38, chr5:226,004, plus strand): 5'-TTGGTGGACAGAGCCTCAAGTTTGGAAAGGGCGGGCAGGCCCATCGGTGCTGCTGTGTGG[C>G]TGATCGGACTGGCCACTCGCTATTGCACACCTTATATGGAAGGGTAAGGCCGCCCCCGTC-3'
Protein context (NP_004159.2, residues 183-203): GGQAHRCCCV[Ala193Gly]DRTGHSLLHT